The following is an entry in ClinVar:

NM_000969.5(RPL5):c.785A>G (p.Lys262Arg)

Genes: DIPK1A (divergent protein kinase domain 1A; minus strand), RPL5 (ribosomal protein L5; plus strand). Cytogenetic location: 1p22.1.
Variant type: single nucleotide variant.
Coding change: c.785A>G on transcript NM_000969.5 (MANE Select); coding-DNA position 785, A replaced by G.
Protein change: p.Lys262Arg; replaces lysine 262 with arginine.
Molecular consequence: missense variant. On other transcripts: non-coding transcript variant (1), intron variant (1).
Genome position (GRCh38, 1-based): chr1:92,840,630, A>G. VCF-style: chr1-92840630-A-G. GRCh37 (hg19) VCF-style: chr1-93306187-A-G.
Other names: c.474+6553T>C (NM_001252273.2); short protein forms K262R.
Identifiers: ClinVar variation 2777406 (VCV002777406.3), dbSNP rs2524474089, ClinGen allele CA341243753.

ClinVar aggregate classification (germline): Uncertain significance (1 of 4 stars; one submission).

Conditions:
Diamond-Blackfan anemia. Also called: Blackfan Diamond syndrome; Aregenerative anemia chronic congenital; Red cell aplasia, pure hereditary; Congenital hypoplastic anemia; Aase syndrome. Identifiers: Orphanet 124, MedGen C1260899, MeSH D029503, MONDO:0015253, HP:0004810.

Allele frequency attached by ClinVar (database versions not stated): gnomAD exomes below 0.00001.
gnomAD v4.1: 1 of 1,608,612 alleles (0.000062%); highest among the groups gnomAD compares: Non-Finnish European, 0.000085%; no homozygotes.

Submission:

Labcorp Genetics (formerly Invitae), Labcorp
Classification: Uncertain significance for Diamond-Blackfan anemia. Last evaluated: 2023-06-03. Review status: criteria provided, single submitter. Criteria: Invitae Variant Classification Sherloc (09022015). Collection method: clinical testing. Allele origin: germline.
Comment: This variant is not present in population databases (gnomAD no frequency). This sequence change replaces lysine, which is basic and polar, with arginine, which is basic and polar, at codon 262 of the RPL5 protein (p.Lys262Arg). This variant has not been reported in the literature in individuals affected with RPL5-related conditions. In summary, the available evidence is currently insufficient to determine the role of this variant in disease. Therefore, it has been classified as a Variant of Uncertain Significance. Advanced modeling of protein sequence and biophysical properties (such as structural, functional, and spatial information, amino acid conservation, physicochemical variation, residue mobility, and thermodynamic stability) performed at Invitae indicates that this missense variant is not expected to disrupt RPL5 protein function.